The following is an entry in ClinVar:

NM_001267550.2(TTN):c.34446del (p.Ala11483fs)

Gene: TTN (titin; minus strand). Cytogenetic location: 2q31.2.
Variant type: Deletion.
Coding change: c.34446del on transcript NM_001267550.2 (MANE Select); coding-DNA position 34446, one base deleted (T; older notation c.34446delT).
Protein change: p.Ala11483fs; shifts the reading frame from alanine 11483.
Molecular consequence: frameshift variant. On other transcripts: intron variant (3).
Genome position (GRCh38, 1-based): chr2:178,675,928, A deleted on the plus strand (T on the coding strand, the reverse complement: TTN is on the minus strand). VCF-style (leftmost placement, unchanged base first): chr2-178675927-CA-C. GRCh37 (hg19) VCF-style: chr2-179540654-CA-C.
Other names: c.33408del, p.Ala11137fs (NM_001256850.1); c.30627del, p.Ala10210fs (NM_133378.4); c.13283-33611del (NM_003319.4); c.13859-33611del (NM_133437.4); c.13658-33611del (NM_133432.3); short protein forms A10210fs, A11137fs, A11483fs.
Identifiers: ClinVar variation 964737 (VCV000964737.9), dbSNP rs1488354536, ClinGen allele CA761307564.

ClinVar aggregate classification (germline): Likely pathogenic (1 of 4 stars; one submission).

Conditions:
Dilated cardiomyopathy 1G (CMD1G). Identifiers: Orphanet 154, MedGen C1858763, MONDO:0011400, OMIM 604145.
Autosomal recessive limb-girdle muscular dystrophy type 2J (LGMDR10). Also called: Limb-girdle muscular dystrophy, type 2J; MUSCULAR DYSTROPHY, LIMB-GIRDLE, AUTOSOMAL RECESSIVE 10. Identifiers: Orphanet 140922, MedGen C1837342, MONDO:0012127, OMIM 608807.

Allele frequency attached by ClinVar (database versions not stated): gnomAD exomes below 0.00001; gnomAD 0.00001; TOPMed 0.00001.

Submission:

Labcorp Genetics (formerly Invitae), Labcorp
Classification: Likely pathogenic for Dilated cardiomyopathy 1G; Autosomal recessive limb-girdle muscular dystrophy type 2J. Last evaluated: 2025-01-08. Review status: criteria provided, single submitter. Criteria: Invitae Variant Classification Sherloc (09022015). Collection method: clinical testing. Allele origin: germline.
Comment: This sequence change creates a premature translational stop signal (p.Ala11483Profs*56) in the TTN gene. While this is not anticipated to result in nonsense mediated decay, it is expected to create a truncated TTN protein. This variant is not present in population databases (gnomAD no frequency). This variant has not been reported in the literature in individuals affected with TTN-related conditions. ClinVar contains an entry for this variant (Variation ID: 964737). This variant is located in the I band of TTN (PMID: 25589632). Truncating variants in this region have been reported in individuals affected with autosomal recessive centronuclear myopathy (PMID: 23975875, internal data). Truncating variants in this region have also been identified in individuals affected with autosomal dominant dilated cardiomyopathy and/or cardio-related conditions (PMID: 27869827, 32964742, internal data). In summary, the currently available evidence indicates that the variant is pathogenic, but additional data are needed to prove that conclusively. Therefore, this variant has been classified as Likely Pathogenic.

Literature cited by the submitters: PubMed 25589632; PubMed 23975875; PubMed 27869827; PubMed 32964742.